The following is an entry in ClinVar:

ClinVar aggregate classification (germline): Uncertain significance. Review status: criteria provided, multiple submitters, no conflicts (2 of 4 stars). 2 submissions from 2 submitters: Uncertain significance (2). Last evaluated 2025-10-22.

Conditions:
Hypokalemic periodic paralysis, type 1. Also called: Hypokalemic Periodic Paralysis Type 1 (AD); HypoPP. Identifiers: Orphanet 681, MedGen C3714580, MONDO:0042979, OMIM 170400.
Malignant hyperthermia, susceptibility to, 5 (MHS5). Also called: CACNA1S-Related Malignant Hyperthermia Susceptibility. Identifiers: Orphanet 423, MedGen C1866077, MONDO:0011163, OMIM 601887.

Allele frequency attached by ClinVar (database versions not stated): gnomAD exomes below 0.00001 and 0.00002; ExAC 0.00001.
gnomAD v4.1: 34 of 1,614,186 alleles (0.0021%); highest among the groups gnomAD compares: Non-Finnish European, 0.0028%; no homozygotes.

Submissions (2):

Labcorp Genetics (formerly Invitae), Labcorp
Classification: Uncertain significance for Hypokalemic periodic paralysis, type 1; Malignant hyperthermia, susceptibility to, 5. Last evaluated: 2025-10-22. Review status: criteria provided, single submitter. Criteria: Invitae Variant Classification Sherloc (09022015). Collection method: clinical testing. Allele origin: germline.
Comment: This sequence change replaces phenylalanine, which is neutral and non-polar, with leucine, which is neutral and non-polar, at codon 53 of the CACNA1S protein (p.Phe53Leu). This variant is present in population databases (rs754668127, gnomAD 0.0009%). This variant has not been reported in the literature in individuals affected with CACNA1S-related conditions. ClinVar contains an entry for this variant (Variation ID: 1449577). Invitae Evidence Modeling of protein sequence and biophysical properties (such as structural, functional, and spatial information, amino acid conservation, physicochemical variation, residue mobility, and thermodynamic stability) has been performed for this missense variant. However, the output from this modeling did not meet the statistical confidence thresholds required to predict the impact of this variant on CACNA1S protein function. In summary, the available evidence is currently insufficient to determine the role of this variant in disease. Therefore, it has been classified as a Variant of Uncertain Significance.

All of Us Research Program, National Institutes of Health
Classification: Uncertain significance for Malignant hyperthermia, susceptibility to, 5. Last evaluated: 2023-04-03. Review status: criteria provided, single submitter. Criteria: ACMG Guidelines, 2015. Collection method: clinical testing. Allele origin: germline. Inheritance: Autosomal dominant inheritance. Observed: 2 variant alleles, 2 heterozygotes.
Comment: This missense variant replaces phenylalanine with leucine at codon 53 of the CACNA1S protein. Computational prediction suggests that this variant may have deleterious impact on protein structure and function (internally defined REVEL score threshold >= 0.7, PMID: 27666373). To our knowledge, functional studies have not been reported for this variant. This variant has not been reported in individuals affected with CACNA1S-related disorders in the literature. This variant has been identified in 1/251434 chromosomes in the general population by the Genome Aggregation Database (gnomAD). The available evidence is insufficient to determine the role of this variant in disease conclusively. Therefore, this variant is classified as a Variant of Uncertain Significance.

This study involves interpretation of variants in research participants for the purpose of population health screening. Participant phenotype was not available at the time of variant classification. Additional details can be found in publication PMID: 35346344, PMCID: PMC8962531

NM_000069.3(CACNA1S):c.157T>C (p.Phe53Leu)

Gene: CACNA1S (calcium voltage-gated channel subunit alpha1 S; minus strand). Cytogenetic location: 1q32.1.
Variant type: single nucleotide variant.
Coding change: c.157T>C on transcript NM_000069.3 (MANE Select); coding-DNA position 157, T replaced by C.
Protein change: p.Phe53Leu; replaces phenylalanine 53 with leucine.
Molecular consequence: missense variant.
Genome position (GRCh38, 1-based): chr1:201,110,265, A>G on the plus strand (T>C on the coding strand, the complement: CACNA1S is on the minus strand). VCF-style: chr1-201110265-A-G. GRCh37 (hg19) VCF-style: chr1-201079393-A-G.
Other names: short protein forms F53L.
Identifiers: ClinVar variation 1449577 (VCV001449577.7), dbSNP rs754668127, ClinGen allele CA078416.
Genomic context (GRCh38, chr1:201,110,265, plus strand): 5'-GCAGGTACACGGCCAGGGCCACACAATTGGCAAAGATGGTGAGCAAGATGATCGTCTCGA[A>G]GGGCCTGGAGCCAGGGTTAAGGAGAGCCCTCGAGTGAGGCAAGGGACTTACAGGGTTAAG-3'
Protein context (NP_000060.2, residues 43-63): ACISIVEWKP[Phe53Leu]ETIILLTIFA